The following is an entry in ClinVar:

NM_201384.3(PLEC):c.7540G>C (p.Ala2514Pro)

Gene: PLEC (plectin; minus strand). Cytogenetic location: 8q24.3.
Variant type: single nucleotide variant.
Coding change: c.7540G>C on transcript NM_201384.3 (MANE Select); coding-DNA position 7540, G replaced by C.
Protein change: p.Ala2514Pro; replaces alanine 2514 with proline.
Molecular consequence: missense variant.
Genome position (GRCh38, 1-based): chr8:143,922,281, C>G on the plus strand (G>C on the coding strand, the complement: PLEC is on the minus strand). VCF-style: chr8-143922281-C-G. GRCh37 (hg19) VCF-style: chr8-144996449-C-G.
Other names: c.7621G>C, p.Ala2541Pro (NM_000445.5); c.4240G>C, p.Ala1414Pro (NM_001410941.1); c.7498G>C, p.Ala2500Pro (NM_201378.4); c.7474G>C, p.Ala2492Pro (NM_201379.3); c.7951G>C, p.Ala2651Pro (NM_201380.4); c.7444G>C, p.Ala2482Pro (NM_201381.3); c.7540G>C, p.Ala2514Pro (NM_201382.4); c.7552G>C, p.Ala2518Pro (NM_201383.3); short protein forms A2541P, A2514P, A1414P, A2482P, A2492P, A2518P, A2651P, A2500P.
Identifiers: ClinVar variation 1934184 (VCV001934184.5), dbSNP rs1304886778, ClinGen allele CA372524609.

ClinVar aggregate classification (germline): Uncertain significance (1 of 4 stars; one submission).

Conditions:
Epidermolysis bullosa simplex with nail dystrophy (EBS5D). Identifiers: MedGen C4225309, MONDO:0014661, OMIM 616487.
Epidermolysis bullosa simplex 5B, with muscular dystrophy (EBS5B). Also called: Epidermolysis bullosa simplex with muscular dystrophy; EPIDERMOLYSIS BULLOSA SIMPLEX AND LIMB-GIRDLE MUSCULAR DYSTROPHY. Identifiers: Orphanet 257, MedGen C2931072, MONDO:0009181, OMIM 226670.
Epidermolysis bullosa simplex, Ogna type (EBS5A). Also called: EPIDERMOLYSIS BULLOSA SIMPLEX 5A, OGNA TYPE; Pidermolysis bullosa simplex 5A, Ogna type. Identifiers: Orphanet 79401, MedGen C0432317, MONDO:0007555, OMIM 131950.
Epidermolysis bullosa simplex 5C, with pyloric atresia (EBS5C). Also called: PLEC-Related Epidermolysis Bullosa with Pyloric Atresia; Epidermolysis bullosa simplex with pyloric atresia; PLEC1-Related Epidermolysis Bullosa with Pyloric Atresia. Identifiers: Orphanet 158684, MedGen C2677349, MONDO:0012807, OMIM 612138.
Autosomal recessive limb-girdle muscular dystrophy type 2Q (LGMDR17). Also called: MUSCULAR DYSTROPHY, LIMB-GIRDLE, AUTOSOMAL RECESSIVE 17. Identifiers: Orphanet 254361, MedGen C3150989, MONDO:0013390, OMIM 613723.

Allele frequency attached by ClinVar (database versions not stated): gnomAD 0.00001.
gnomAD v4.1: 1 of 1,605,676 alleles (0.000062%); highest among the groups gnomAD compares: Non-Finnish European, 0.000085%; no homozygotes.

Submission:

Labcorp Genetics (formerly Invitae), Labcorp
Classification: Uncertain significance for Autosomal recessive limb-girdle muscular dystrophy type 2Q; Epidermolysis bullosa simplex, Ogna type; Epidermolysis bullosa simplex with nail dystrophy; Epidermolysis bullosa simplex 5C, with pyloric atresia; Epidermolysis bullosa simplex 5B, with muscular dystrophy. Last evaluated: 2022-07-02. Review status: criteria provided, single submitter. Criteria: Invitae Variant Classification Sherloc (09022015). Collection method: clinical testing. Allele origin: germline.
Comment: In summary, the available evidence is currently insufficient to determine the role of this variant in disease. Therefore, it has been classified as a Variant of Uncertain Significance. Algorithms developed to predict the effect of missense changes on protein structure and function are either unavailable or do not agree on the potential impact of this missense change (SIFT: "Tolerated"; PolyPhen-2: "Probably Damaging"; Align-GVGD: "Class C0"). This variant has not been reported in the literature in individuals affected with PLEC-related conditions. This variant is not present in population databases (gnomAD no frequency). This sequence change replaces alanine, which is neutral and non-polar, with proline, which is neutral and non-polar, at codon 2541 of the PLEC protein (p.Ala2541Pro).